The following is an entry in ClinVar:

NM_144686.4(TMC4):c.533T>C (p.Met178Thr)

Gene: TMC4 (transmembrane channel like 4; minus strand). Cytogenetic location: 19q13.42.
Variant type: single nucleotide variant.
Coding change: c.533T>C on transcript NM_144686.4 (MANE Select); coding-DNA position 533, T replaced by C.
Protein change: p.Met178Thr; replaces methionine 178 with threonine.
Molecular consequence: missense variant.
Genome position (GRCh38, 1-based): chr19:54,168,590, A>G on the plus strand (T>C on the coding strand, the complement: TMC4 is on the minus strand). VCF-style: chr19-54168590-A-G. GRCh37 (hg19) VCF-style: chr19-54672316-A-G.
Other names: c.551T>C, p.Met184Thr (NM_001145303.3); short protein forms M178T, M184T.
Identifiers: ClinVar variation 3037362 (VCV003037362.2), dbSNP rs149646954, ClinGen allele CA309344200.

ClinVar aggregate classification (germline): Likely benign (0 of 4 stars; one submission).

Conditions:
TMC4-related disorder. Also called: TMC4-related condition.

Allele frequency attached by ClinVar (database versions not stated): 1000 Genomes Project 0.00280; 1000 Genomes Project 30x 0.00281; gnomAD 0.00364; ESP Exome Variant Server 0.00416; TOPMed 0.00422; gnomAD exomes 0.00501; ExAC 0.00636.

Submission:

PreventionGenetics, part of Exact Sciences
Classification: Likely benign for TMC4-related condition. Last evaluated: 2022-04-05. Review status: no assertion criteria provided. Collection method: clinical testing. Allele origin: germline.
Comment: This variant is classified as likely benign based on ACMG/AMP sequence variant interpretation guidelines (Richards et al. 2015 PMID: 25741868, with internal and published modifications).